The following is an entry in ClinVar:

NM_005732.4(RAD50):c.3596G>C (p.Gly1199Ala)

Genes: RAD50 (RAD50 double strand break repair protein; plus strand), TH2-LCR (Th2 cytokine locus control region; plus strand), TH2LCRR (T helper type 2 locus control region associated RNA; minus strand). Cytogenetic location: 5q31.1.
Variant type: single nucleotide variant.
Coding change: c.3596G>C on transcript NM_005732.4 (MANE Select); coding-DNA position 3596, G replaced by C.
Protein change: p.Gly1199Ala; replaces glycine 1199 with alanine.
Molecular consequence: missense variant. On other transcripts: non-coding transcript variant (3).
Genome position (GRCh38, 1-based): chr5:132,638,201, G>C. VCF-style: chr5-132638201-G-C. GRCh37 (hg19) VCF-style: chr5-131973893-G-C.
Other names: short protein forms G1199A.
Identifiers: ClinVar variation 1733019 (VCV001733019.2), dbSNP rs1751634515, ClinGen allele CA360932334.

ClinVar aggregate classification (germline): Uncertain significance (1 of 4 stars; one submission).

Conditions:
Hereditary cancer-predisposing syndrome. Also called: Neoplastic Syndromes, Hereditary; Tumor predisposition; Hereditary Cancer Syndrome; Hereditary neoplastic syndrome. Identifiers: Orphanet 140162, MedGen C0027672, MeSH D009386, MONDO:0015356.

Submission:

Ambry Genetics
Classification: Uncertain significance for Hereditary cancer-predisposing syndrome. Last evaluated: 2021-08-08. Review status: criteria provided, single submitter. Criteria: Ambry Variant Classification Scheme 2023. Collection method: clinical testing. Allele origin: germline.
Comment: The p.G1199A variant (also known as c.3596G>C), located in coding exon 23 of the RAD50 gene, results from a G to C substitution at nucleotide position 3596. The glycine at codon 1199 is replaced by alanine, an amino acid with similar properties. This amino acid position is conserved. In addition, the in silico prediction for this alteration is inconclusive. Since supporting evidence is limited at this time, the clinical significance of this alteration remains unclear.